The following is an entry in ClinVar:

ClinVar aggregate classification (germline): Likely benign. Review status: criteria provided, multiple submitters, no conflicts (2 of 4 stars). 6 submissions from 6 submitters: Likely benign (5). 1 of the submissions does not count toward it. Last evaluated 2025-02-07.

Conditions:
BRIP1-related disorder. Also called: BRIP1-related condition; BRIP1-related disorders. Identifiers: MedGen CN239206.
Hereditary cancer-predisposing syndrome. Also called: Tumor predisposition; Neoplastic Syndromes, Hereditary; Hereditary Cancer Syndrome; Hereditary neoplastic syndrome. Identifiers: Orphanet 140162, MedGen C0027672, MeSH D009386, MONDO:0015356.
Fanconi anemia complementation group J. Also called: BRIP1-Related Fanconi Anemia. Identifiers: Orphanet 84, MedGen C1836860, MONDO:0012187, OMIM 609054.
Familial cancer of breast. Also called: BREAST CANCER, FAMILIAL; Hereditary breast cancer; hereditary breast carcinoma. Identifiers: Orphanet 227535, MedGen C0346153, MONDO:0016419, OMIM 114480. Disease mechanism: loss of function.

Allele frequency attached by ClinVar (database versions not stated): gnomAD exomes below 0.00001 and 0.00002; TOPMed below 0.00001; gnomAD 0.00001.
gnomAD v4.1: 34 of 1,605,690 alleles (0.0021%); highest among the groups gnomAD compares: Non-Finnish European, 0.0027%; no homozygotes.

Submissions (6):

Labcorp Genetics (formerly Invitae), Labcorp
Classification: Likely benign for Familial cancer of breast; Fanconi anemia complementation group J. Last evaluated: 2025-02-07. Review status: criteria provided, single submitter. Criteria: Invitae Variant Classification Sherloc (09022015). Collection method: clinical testing. Allele origin: germline.

Department of Pathology and Laboratory Medicine, Sinai Health System
Classification: Likely benign for Familial cancer of breast; Fanconi anemia complementation group J. Last evaluated: 2024-12-02. Review status: criteria provided, single submitter. Criteria: ACMG Guidelines, 2015. Collection method: clinical testing. Allele origin: germline.

Myriad Genetics, Inc.
Classification: Likely benign for Familial cancer of breast. Last evaluated: 2024-08-26. Review status: criteria provided, single submitter. Criteria: Myriad Autosomal Dominant, Autosomal Recessive and X-Linked Classification Criteria (2023). Collection method: clinical testing. Allele origin: unknown.
Comment: This variant is considered likely benign. This variant is intronic and is not expected to impact mRNA splicing.

Ambry Genetics
Classification: Likely benign for Hereditary cancer-predisposing syndrome. Last evaluated: 2022-06-13. Review status: criteria provided, single submitter. Criteria: Ambry Variant Classification Scheme 2023. Collection method: clinical testing. Allele origin: germline.

Color Diagnostics, LLC DBA Color Health
Classification: Likely benign for Hereditary cancer-predisposing syndrome. Last evaluated: 2017-04-10. Review status: criteria provided, single submitter. Criteria: ACMG Guidelines, 2015. Collection method: clinical testing. Allele origin: germline.

PreventionGenetics, part of Exact Sciences
Classification: Likely benign for BRIP1-related condition. Last evaluated: 2020-09-17. Review status: no assertion criteria provided. Collection method: clinical testing. Allele origin: germline. Not counted in ClinVar's aggregate classification.
Comment: This variant is classified as likely benign based on ACMG/AMP sequence variant interpretation guidelines (Richards et al. 2015 PMID: 25741868, with internal and published modifications).

NM_032043.3(BRIP1):c.1141-4A>G

Gene: BRIP1 (BRCA1 interacting DNA helicase 1; minus strand). Cytogenetic location: 17q23.2.
Variant type: single nucleotide variant.
Coding change: c.1141-4A>G on transcript NM_032043.3 (MANE Select); 4 bases into the intron before coding-DNA position 1141, A replaced by G.
Molecular consequence: intron variant.
Genome position (GRCh38, 1-based): chr17:61,799,303, T>C on the plus strand (A>G on the coding strand, the complement: BRIP1 is on the minus strand). VCF-style: chr17-61799303-T-C. GRCh37 (hg19) VCF-style: chr17-59876664-T-C.
Identifiers: ClinVar variation 479454 (VCV000479454.24), dbSNP rs1226658018, ClinGen allele CA626807358.